The following is an entry in ClinVar:

NM_001042492.3(NF1):c.7321+2dup

Gene: NF1 (neurofibromin 1; plus strand). Cytogenetic location: 17q11.2.
Variant type: Duplication.
Coding change: c.7321+2dup on transcript NM_001042492.3 (MANE Select); the canonical splice donor site of the intron after coding-DNA position 7321, one base duplicated (T; older notation c.7321+2dupT).
Molecular consequence: splice donor variant.
Genome position (GRCh38, 1-based): chr17:31,349,253, T duplicated. VCF-style (leftmost placement, unchanged base first): chr17-31349252-G-GT. GRCh37 (hg19) VCF-style: chr17-29676270-G-GT.
Other names: c.7258+2dup (NM_000267.4); c.7258+2dupT (NM_000267.3).
Identifiers: ClinVar variation 3404665 (VCV003404665.1).

ClinVar aggregate classification (germline): Likely pathogenic (1 of 4 stars; one submission).

Conditions:
Hereditary cancer-predisposing syndrome. Also called: Hereditary Cancer Syndrome; Tumor predisposition; Hereditary neoplastic syndrome; Neoplastic Syndromes, Hereditary. Identifiers: Orphanet 140162, MedGen C0027672, MeSH D009386, MONDO:0015356.
Cardiovascular phenotype. Identifiers: MedGen CN230736.

Submission:

Ambry Genetics
Classification: Likely pathogenic for Cardiovascular phenotype; Hereditary cancer-predisposing syndrome. Last evaluated: 2024-08-05. Review status: criteria provided, single submitter. Criteria: Ambry Variant Classification Scheme 2023. Collection method: clinical testing. Allele origin: germline.
Comment: The c.7258+2dupT intronic variant, results from a duplication of two nucleotides after coding exon 48 of the NF1 gene. Alterations that disrupt the canonical splice site are expected to result in aberrant splicing. In silico splice site analysis predicts that this alteration will weaken the native splice donor site. The resulting transcript is predicted to be in-frame and is not expected to trigger nonsense-mediated mRNAdecay; however, direct evidence is unavailable. The exact functional effect of the altered amino acid sequence is unknown; however, the impacted region is critical for protein function (Ambry internal data). This variant has been observed in at least one individual with a personal and/or family history that is consistent with neurofibromatosis type 1 (NF1) (Ambry internal data). This variant is considered to be rare based on population cohorts in the Genome Aggregation Database (gnomAD). This nucleotide position is highly conserved in available vertebrate species. Based on the majority of available evidence to date, this variant is likely to be pathogenic.